The following is an entry in ClinVar:

NM_015386.3(COG4):c.1827+12G>C

Gene: COG4 (component of oligomeric golgi complex 4; minus strand). Cytogenetic location: 16q22.1.
Variant type: single nucleotide variant.
Coding change: c.1827+12G>C on transcript NM_015386.3 (MANE Select); 12 bases into the intron after coding-DNA position 1827, G replaced by C.
Molecular consequence: intron variant.
Genome position (GRCh38, 1-based): chr16:70,483,841, C>G on the plus strand (G>C on the coding strand, the complement: COG4 is on the minus strand). VCF-style: chr16-70483841-C-G. GRCh37 (hg19) VCF-style: chr16-70517744-C-G.
Other names: c.1752+12G>C (NM_001195139.2); c.1401+12G>C (NM_001365426.1).
Identifiers: ClinVar variation 320369 (VCV000320369.8), dbSNP rs372162273, ClinGen allele CA8144186.

ClinVar aggregate classification (germline): Likely benign. Review status: criteria provided, multiple submitters, no conflicts (2 of 4 stars). 2 submissions from 2 submitters: Likely benign (2). Last evaluated 2025-09-16.

Conditions:
COG4-congenital disorder of glycosylation. Also called: CONGENITAL DISORDER OF GLYCOSYLATION, TYPE IIj; CDG IIj; COG4-CDG. Identifiers: Orphanet 263501, MedGen C4303552, MONDO:0013281, OMIM 613489.

Allele frequency attached by ClinVar (database versions not stated): gnomAD 0.00006; ESP Exome Variant Server 0.00008; TOPMed 0.00014; ExAC 0.00015; gnomAD exomes 0.00018 and 0.00019.
gnomAD v4.1: 267 of 1,595,642 alleles (0.017%); highest among the groups gnomAD compares: Admixed American, 0.06%; no homozygotes.

Submissions (2):

Labcorp Genetics (formerly Invitae), Labcorp
Classification: Likely benign for COG4-congenital disorder of glycosylation. Last evaluated: 2025-09-16. Review status: criteria provided, single submitter. Criteria: Invitae Variant Classification Sherloc (09022015). Collection method: clinical testing. Allele origin: germline.

GeneDx
Classification: Likely benign. Last evaluated: 2016-03-31. Review status: criteria provided, single submitter. Criteria: GeneDx Variant Classification (06012015). Collection method: clinical testing. Allele origin: germline. Affected: yes.
Comment: This variant is considered likely benign or benign based on one or more of the following criteria: it is a conservative change, it occurs at a poorly conserved position in the protein, it is predicted to be benign by multiple in silico algorithms, and/or has population frequency not consistent with disease.